The following is an entry in ClinVar:

NM_004100.5(EYA4):c.1807G>A (p.Asp603Asn)

Genes: EYA4 (EYA transcriptional coactivator and phosphatase 4; plus strand), TARID (TCF21 antisense RNA inducing promoter demethylation; minus strand). Cytogenetic location: 6q23.2.
Variant type: single nucleotide variant.
Coding change: c.1807G>A on transcript NM_004100.5 (MANE Select); coding-DNA position 1807, G replaced by A.
Protein change: p.Asp603Asn; replaces aspartic acid 603 with asparagine.
Molecular consequence: missense variant. On other transcripts: intron variant (3).
Genome position (GRCh38, 1-based): chr6:133,525,222, G>A. VCF-style: chr6-133525222-G-A. GRCh37 (hg19) VCF-style: chr6-133846360-G-A.
Other names: c.1825G>A, p.Asp609Asn (NM_001301013.2); c.1663G>A, p.Asp555Asn (NM_001370459.1); c.1738G>A, p.Asp580Asn (NM_172103.4); c.1839+107G>A (NM_172105.4); c.1770+107G>A (NM_001370458.1); c.1677+107G>A (NM_001301012.2); short protein forms D603N, D609N, D555N, D580N.
Identifiers: ClinVar variation 1481036 (VCV001481036.8), dbSNP rs2128817509, ClinGen allele CA365700842.
Genomic context (GRCh38, chr6:133,525,222, plus strand): 5'-AGTTGCTTTGAACGAATAATGCAAAGGTTTGGCAGAAAAGTAGTGTATGTTGTAATTGGG[G>A]ATGGTGTAGAAGAAGAACAGGCAGCAAAAAAGGTAACCTGTCTCAAACAATGTCGGTGTG-3'
Protein context (NP_004091.3, residues 593-613): GRKVVYVVIG[Asp603Asn]GVEEEQAAKK

ClinVar aggregate classification (germline): Uncertain significance (1 of 4 stars; one submission).

Conditions:
Dilated cardiomyopathy 1J (CMD1J). Also called: CARDIOMYOPATHY, DILATED, WITH SENSORINEURAL HEARING LOSS, AUTOSOMAL DOMINANT. Identifiers: Orphanet 217622, MedGen C1854368, MONDO:0011541, OMIM 605362.

Submission:

Labcorp Genetics (formerly Invitae), Labcorp
Classification: Uncertain significance for Dilated cardiomyopathy 1J. Last evaluated: 2021-02-16. Review status: criteria provided, single submitter. Criteria: Invitae Variant Classification Sherloc (09022015). Collection method: clinical testing. Allele origin: germline.
Comment: This sequence change replaces aspartic acid with asparagine at codon 603 of the EYA4 protein (p.Asp603Asn). The aspartic acid residue is highly conserved and there is a small physicochemical difference between aspartic acid and asparagine. In summary, the available evidence is currently insufficient to determine the role of this variant in disease. Therefore, it has been classified as a Variant of Uncertain Significance. Algorithms developed to predict the effect of missense changes on protein structure and function are either unavailable or do not agree on the potential impact of this missense change (SIFT: "Tolerated"; PolyPhen-2: "Probably Damaging"; Align-GVGD: "Class C0"). This variant has not been reported in the literature in individuals with EYA4-related conditions. This variant is not present in population databases (ExAC no frequency).